The following is an entry in ClinVar:

ClinVar aggregate classification (germline): Uncertain significance. Review status: criteria provided, multiple submitters, no conflicts (2 of 4 stars). 2 submissions from 2 submitters: Uncertain significance (2). Last evaluated 2025-08-20.

Conditions:
Hereditary nonpolyposis colorectal neoplasms. Identifiers: MedGen C0009405, MeSH D003123.
Hereditary cancer-predisposing syndrome. Also called: Neoplastic Syndromes, Hereditary; Hereditary Cancer Syndrome; Tumor predisposition; Hereditary neoplastic syndrome. Identifiers: Orphanet 140162, MedGen C0027672, MeSH D009386, MONDO:0015356.

Submissions (2):

Ambry Genetics
Classification: Uncertain significance for Hereditary cancer-predisposing syndrome. Last evaluated: 2025-08-20. Review status: criteria provided, single submitter. Criteria: Ambry Variant Classification Scheme 2023. Collection method: clinical testing. Allele origin: germline.
Comment: The p.P654L variant (also known as c.1961C>T), located in coding exon 11 of the PMS2 gene, results from a C to T substitution at nucleotide position 1961. The proline at codon 654 is replaced by leucine, an amino acid with similar properties. This amino acid position is conserved. In addition, the in silico prediction for this alteration is inconclusive. Based on the available evidence, the clinical significance of this variant remains unclear.

Labcorp Genetics (formerly Invitae), Labcorp
Classification: Uncertain significance for Hereditary nonpolyposis colorectal neoplasms. Last evaluated: 2023-02-13. Review status: criteria provided, single submitter. Criteria: Invitae Variant Classification Sherloc (09022015). Collection method: clinical testing. Allele origin: germline.
Comment: This sequence change replaces proline, which is neutral and non-polar, with leucine, which is neutral and non-polar, at codon 654 of the PMS2 protein (p.Pro654Leu). In summary, the available evidence is currently insufficient to determine the role of this variant in disease. Therefore, it has been classified as a Variant of Uncertain Significance. Advanced modeling of protein sequence and biophysical properties (such as structural, functional, and spatial information, amino acid conservation, physicochemical variation, residue mobility, and thermodynamic stability) performed at Invitae indicates that this missense variant is expected to disrupt PMS2 protein function. ClinVar contains an entry for this variant (Variation ID: 582359). This variant has not been reported in the literature in individuals affected with PMS2-related conditions. This variant is not present in population databases (gnomAD no frequency).

NM_000535.7(PMS2):c.1961C>T (p.Pro654Leu)

Gene: PMS2 (PMS1 homolog 2, mismatch repair system component; minus strand). Cytogenetic location: 7p22.1.
Variant type: single nucleotide variant.
Coding change: c.1961C>T on transcript NM_000535.7 (MANE Select); coding-DNA position 1961, C replaced by T.
Protein change: p.Pro654Leu; replaces proline 654 with leucine.
Molecular consequence: missense variant. On other transcripts: non-coding transcript variant (1).
Genome position (GRCh38, 1-based): chr7:5,986,804, G>A on the plus strand (C>T on the coding strand, the complement: PMS2 is on the minus strand). VCF-style: chr7-5986804-G-A. GRCh37 (hg19) VCF-style: chr7-6026435-G-A.
Other names: c.1556C>T, p.Pro519Leu (NM_001322003.2, NM_001322004.2, NM_001322005.2 and 1 more transcripts); c.1805C>T, p.Pro602Leu (NM_001322006.2); c.1643C>T, p.Pro548Leu (NM_001322007.2, NM_001322008.2); c.1400C>T, p.Pro467Leu (NM_001322010.2); c.1028C>T, p.Pro343Leu (NM_001322011.2, NM_001322012.2); c.1388C>T, p.Pro463Leu (NM_001322013.2); c.1961C>T, p.Pro654Leu (NM_001322014.2); c.1652C>T, p.Pro551Leu (NM_001322015.2); short protein forms P654L, P463L, P519L, P602L, P343L, P467L, P548L, P551L.
Identifiers: ClinVar variation 582359 (VCV000582359.11), dbSNP rs779587825, ClinGen allele CA366739061.
Genomic context (GRCh38, chr7:5,986,804, plus strand): 5'-AAATTAAAACTTTACCTTATCTCTTTTCTTAGTTCATCTTCGGCTGCTTGATTTTCTCCA[G>A]GACAAATCTTTGCCCTAAACTTCCTGTAATTCTGTTCCCCTTCACTTTGCTGTGCTTCAT-3'
Protein context (NP_000526.2, residues 644-664): NYRKFRAKIC[Pro654Leu]GENQAAEDEL